The following is an entry in ClinVar:

NM_000030.3(AGXT):c.359-2A>G

Gene: AGXT (alanine--glyoxylate aminotransferase; plus strand). Cytogenetic location: 2q37.3.
Variant type: single nucleotide variant.
Coding change: c.359-2A>G on transcript NM_000030.3 (MANE Select); the canonical splice acceptor site of the intron before coding-DNA position 359, A replaced by G.
Molecular consequence: splice acceptor variant.
Genome position (GRCh38, 1-based): chr2:240,870,642, A>G. VCF-style: chr2-240870642-A-G. GRCh37 (hg19) VCF-style: chr2-241810059-A-G.
Identifiers: ClinVar variation 2681164 (VCV002681164.4), dbSNP rs1451241481, ClinGen allele CA351314247.

ClinVar aggregate classification (germline): Likely pathogenic. Review status: criteria provided, multiple submitters, no conflicts (2 of 4 stars). 2 submissions from 2 submitters: Likely pathogenic (2). Last evaluated 2024-01-18.

Conditions:
Primary hyperoxaluria, type I (HP1). Also called: OXALOSIS I; Primary hyperoxaluria type 1; GLYCOLIC ACIDURIA; HEPATIC AGT DEFICIENCY. Identifiers: Orphanet 416, Orphanet 93598, MedGen C0268164, MONDO:0009823, OMIM 259900. Disease mechanism: loss of function.

Allele frequency attached by ClinVar (database versions not stated): gnomAD exomes below 0.00001.
gnomAD v4.1: 1 of 1,551,746 alleles (0.000064%); highest among the groups gnomAD compares: Admixed American, 0.002%; no homozygotes.

Submissions (2):

Labcorp Genetics (formerly Invitae), Labcorp
Classification: Likely pathogenic. Last evaluated: 2024-01-18. Review status: criteria provided, single submitter. Criteria: Invitae Variant Classification Sherloc (09022015). Collection method: clinical testing. Allele origin: germline.
Comment: This sequence change affects an acceptor splice site in intron 2 of the AGXT gene. It is expected to disrupt RNA splicing. Variants that disrupt the donor or acceptor splice site typically lead to a loss of protein function (PMID: 16199547), and loss-of-function variants in AGXT are known to be pathogenic (PMID: 19479957). The frequency data for this variant in the population databases is considered unreliable, as metrics indicate poor data quality at this position in the gnomAD database. This variant has not been reported in the literature in individuals affected with AGXT-related conditions. Algorithms developed to predict the effect of sequence changes on RNA splicing suggest that this variant may disrupt the consensus splice site. In summary, the currently available evidence indicates that the variant is pathogenic, but additional data are needed to prove that conclusively. Therefore, this variant has been classified as Likely Pathogenic.

Clinical Biochemistry Laboratory, Health Services Laboratory
Classification: Likely pathogenic for Primary hyperoxaluria, type I. Last evaluated: 2023-10-27. Review status: criteria provided, single submitter. Criteria: ACMG Guidelines, 2015. Collection method: curation. Allele origin: germline.
Comment: ACMG:PVS1 PM2

Literature cited by the submitters: PubMed 16199547 (cited by Labcorp Genetics (formerly Invitae), Labcorp); PubMed 19479957 (cited by Labcorp Genetics (formerly Invitae), Labcorp).